The following is an entry in ClinVar:

ClinVar aggregate classification (germline): Uncertain significance. Review status: criteria provided, multiple submitters, no conflicts (2 of 4 stars). 2 submissions from 2 submitters: Uncertain significance (2). Last evaluated 2025-06-10.

gnomAD v4.1: 6 of 1,613,630 alleles (0.00037%); highest among the groups gnomAD compares: Non-Finnish European, 0.00051%; no homozygotes.

Submissions (2):

Ambry Genetics
Classification: Uncertain significance. Last evaluated: 2025-06-10. Review status: criteria provided, single submitter. Criteria: Ambry Variant Classification Scheme 2023. Collection method: clinical testing. Allele origin: germline.

GeneDx
Classification: Uncertain significance. Last evaluated: 2025-02-24. Review status: criteria provided, single submitter. Criteria: GeneDx Variant Classification Process June 2021. Collection method: clinical testing. Allele origin: germline. Affected: yes.
Comment: Not observed at significant frequency in large population cohorts (gnomAD); In silico analysis indicates that this missense variant does not alter protein structure/function; Has not been previously published as pathogenic or benign to our knowledge

NM_016824.5(ADD3):c.1548G>C (p.Leu516Phe)

Gene: ADD3 (adducin 3; plus strand). Cytogenetic location: 10q25.2.
Variant type: single nucleotide variant.
Coding change: c.1548G>C on transcript NM_016824.5 (MANE Select); coding-DNA position 1548, G replaced by C.
Protein change: p.Leu516Phe; replaces leucine 516 with phenylalanine.
Molecular consequence: missense variant.
Genome position (GRCh38, 1-based): chr10:110,126,443, G>C. VCF-style: chr10-110126443-G-C. GRCh37 (hg19) VCF-style: chr10-111886201-G-C.
Other names: c.1548G>C, p.Leu516Phe (NM_001121.4, NM_001320591.2, NM_001320592.2 and 2 more transcripts); c.1314G>C, p.Leu438Phe (NM_001320594.2); short protein forms L438F, L516F.
Identifiers: ClinVar variation 4013259 (VCV004013259.2).